The following is an entry in ClinVar:

NM_001362931.2(GDAP1):c.792G>A (p.Ter264=)

Gene: GDAP1 (ganglioside induced differentiation associated protein 1; plus strand). Cytogenetic location: 8q21.11.
Variant type: single nucleotide variant.
Coding change: c.792G>A on transcript NM_001362931.2; coding-DNA position 792, G replaced by A.
Protein change: p.Ter264=.
Molecular consequence: synonymous variant.
Genome position (GRCh38, 1-based): chr8:74,488,775, G>A. VCF-style: chr8-74488775-G-A. GRCh37 (hg19) VCF-style: chr8-75401010-G-A.
Identifiers: ClinVar variation 4987785 (VCV004987785.1).

ClinVar aggregate classification (germline): Likely benign (1 of 4 stars; one submission).

Conditions:
GDAP1-related disorder. Also called: GDAP1-related condition; GDAP1-related disorders.

gnomAD v4.1: 7 of 152,146 alleles (0.0046%); highest among the groups gnomAD compares: Non-Finnish European, 0.0088%; no homozygotes.

Submission:

PreventionGenetics, part of Exact Sciences
Classification: Likely benign for GDAP1-related condition. Last evaluated: 2025-10-16. Review status: criteria provided, single submitter. Criteria: ACMG Guidelines, 2015. Collection method: clinical testing. Allele origin: germline.
Comment: This variant is classified as likely benign based on ACMG/AMP sequence variant interpretation guidelines (Richards et al. 2015 PMID: 25741868, with internal and published modifications).